The following is an entry in ClinVar:

ClinVar aggregate classification (germline): Uncertain significance. Review status: criteria provided, multiple submitters, no conflicts (2 of 4 stars). 2 submissions from 2 submitters: Uncertain significance (2). Last evaluated 2025-08-31.

Conditions:
Inborn genetic diseases. Identifiers: MedGen C0950123, MeSH D030342.

Allele frequency attached by ClinVar (database versions not stated): gnomAD exomes below 0.00001; TOPMed 0.00001.
gnomAD v4.1: 3 of 1,552,278 alleles (0.00019%); highest among the groups gnomAD compares: Non-Finnish European, 0.00017%; no homozygotes.

Submissions (2):

Ambry Genetics
Classification: Uncertain significance for Inborn genetic diseases. Last evaluated: 2025-08-31. Review status: criteria provided, single submitter. Criteria: Ambry Variant Classification Scheme 2023. Collection method: clinical testing. Allele origin: germline.

Labcorp Genetics (formerly Invitae), Labcorp
Classification: Uncertain significance. Last evaluated: 2021-12-24. Review status: criteria provided, single submitter. Criteria: Invitae Variant Classification Sherloc (09022015). Collection method: clinical testing. Allele origin: germline.
Comment: This sequence change replaces asparagine, which is neutral and polar, with serine, which is neutral and polar, at codon 1001 of the DCHS1 protein (p.Asn1001Ser). This variant is not present in population databases (gnomAD no frequency). This variant has not been reported in the literature in individuals affected with DCHS1-related conditions. Advanced modeling of protein sequence and biophysical properties (such as structural, functional, and spatial information, amino acid conservation, physicochemical variation, residue mobility, and thermodynamic stability) performed at Invitae indicates that this missense variant is not expected to disrupt DCHS1 protein function. Algorithms developed to predict the effect of sequence changes on RNA splicing suggest that this variant may create or strengthen a splice site. In summary, the available evidence is currently insufficient to determine the role of this variant in disease. Therefore, it has been classified as a Variant of Uncertain Significance.

NM_003737.4(DCHS1):c.3002A>G (p.Asn1001Ser)

Gene: DCHS1 (dachsous cadherin-related 1; minus strand). Cytogenetic location: 11p15.4.
Variant type: single nucleotide variant.
Coding change: c.3002A>G on transcript NM_003737.4 (MANE Select); coding-DNA position 3002, A replaced by G.
Protein change: p.Asn1001Ser; replaces asparagine 1001 with serine.
Molecular consequence: missense variant.
Genome position (GRCh38, 1-based): chr11:6,632,510, T>C on the plus strand (A>G on the coding strand, the complement: DCHS1 is on the minus strand). VCF-style: chr11-6632510-T-C. GRCh37 (hg19) VCF-style: chr11-6653741-T-C.
Other names: c.3002A>G (NM_003737.2); short protein forms N1001S.
Identifiers: ClinVar variation 1930046 (VCV001930046.6), dbSNP rs1025532984, ClinGen allele CA217299338.